The following is an entry in ClinVar:

ClinVar aggregate classification (germline): Uncertain significance (1 of 4 stars; one submission).

Conditions:
Hereditary cancer-predisposing syndrome. Also called: Tumor predisposition; Hereditary neoplastic syndrome; Neoplastic Syndromes, Hereditary; Hereditary Cancer Syndrome. Identifiers: Orphanet 140162, MedGen C0027672, MeSH D009386, MONDO:0015356.

Submission:

Ambry Genetics
Classification: Uncertain significance for Hereditary cancer-predisposing syndrome. Last evaluated: 2025-05-05. Review status: criteria provided, single submitter. Criteria: Ambry Variant Classification Scheme 2023. Collection method: clinical testing. Allele origin: germline.
Comment: The p.E106K variant (also known as c.316G>A), located in coding exon 3 of the XRCC2 gene, results from a G to A substitution at nucleotide position 316. The glutamic acid at codon 106 is replaced by lysine, an amino acid with similar properties. This amino acid position is conserved. In addition, this alteration is predicted to be tolerated by in silico analysis. Based on the available evidence, the clinical significance of this variant remains unclear.

NM_005431.2(XRCC2):c.316G>A (p.Glu106Lys)

Gene: XRCC2 (X-ray repair cross complementing 2; minus strand). Cytogenetic location: 7q36.1.
Variant type: single nucleotide variant.
Coding change: c.316G>A on transcript NM_005431.2 (MANE Select); coding-DNA position 316, G replaced by A.
Protein change: p.Glu106Lys; replaces glutamic acid 106 with lysine.
Molecular consequence: missense variant.
Genome position (GRCh38, 1-based): chr7:152,649,169, C>T on the plus strand (G>A on the coding strand, the complement: XRCC2 is on the minus strand). VCF-style: chr7-152649169-C-T. GRCh37 (hg19) VCF-style: chr7-152346254-C-T.
Other names: short protein forms E106K.
Identifiers: ClinVar variation 3982923 (VCV003982923.1).
Genomic context (GRCh38, chr7:152,649,169, plus strand): 5'-AGTGGGTGCTACTACTGCAGTACACCAAAAAAAATCTTCCCAGGCAGTATTTGATTATTT[C>T]TTCAGAGCTTTGGGATAGTCTGTGCTCAAGAATTGTAACTAGCCGGAGCATATCAAAGTG-3'
Protein context (NP_005422.1, residues 96-116): LEHRLSQSSE[Glu106Lys]IIKYCLGRFF